The following is an entry in ClinVar:

ClinVar aggregate classification (germline): Pathogenic (1 of 4 stars; one submission).

Submission:

GeneDx
Classification: Pathogenic. Last evaluated: 2019-10-23. Review status: criteria provided, single submitter. Criteria: GeneDx Variant Classification Process June 2021. Collection method: clinical testing. Allele origin: germline. Affected: yes.
Comment: Frameshift variant predicted to result in protein truncation or nonsense mediated decay in a gene for which loss-of-function is a known mechanism of disease; Not observed in large population cohorts (Lek et al., 2016); Has not been previously published as pathogenic or benign to our knowledge

NM_006265.3(RAD21):c.52_67del (p.Trp18fs)

Gene: RAD21 (RAD21 cohesin complex component; minus strand). Cytogenetic location: 8q24.11.
Variant type: Deletion.
Coding change: c.52_67del on transcript NM_006265.3 (MANE Select); coding-DNA positions 52 to 67, 16 bases deleted (TGGCTAGCGGCCCATT).
Protein change: p.Trp18fs; shifts the reading frame from tryptophan 18.
Molecular consequence: frameshift variant.
Genome position (GRCh38, 1-based): chr8:116,866,663-116,866,678, AATGGGCCGCTAGCCA deleted on the plus strand (TGGCTAGCGGCCCATT on the coding strand, the reverse complement: RAD21 is on the minus strand); deleting any 16 consecutive bases within chr8:116,866,663-116,866,681 gives the same sequence; the c. name uses the placement nearest the transcript's 3' end. VCF-style (leftmost placement, unchanged base first): chr8-116866662-CAATGGGCCGCTAGCCA-C. GRCh37 (hg19) VCF-style: chr8-117878901-CAATGGGCCGCTAGCCA-C.
Other names: short protein forms W18fs.
Identifiers: ClinVar variation 1192852 (VCV001192852.2), dbSNP rs2130485352, ClinGen allele CA2499219098.